The following is an entry in ClinVar:

ClinVar aggregate classification (germline): Pathogenic (1 of 4 stars; one submission).

Conditions:
Sotos syndrome (SOTOS). Also called: Sotos' syndrome; CHROMOSOME 5q35 DELETION SYNDROME; SOTOS SYNDROME 1; CEREBRAL GIGANTISM; Distinctive facial appearance, overgrowth in childhood, and learning disabilities or delayed development. Identifiers: Orphanet 821, MedGen C0175695, MONDO:0019349, OMIM 117550.

Allele frequency attached by ClinVar (database versions not stated): gnomAD exomes below 0.00001.
gnomAD v4.1: 1 of 1,565,430 alleles (0.000064%); highest among the groups gnomAD compares: Non-Finnish European, 0.000088%; no homozygotes.

Submission:

Baylor Genetics
Classification: Pathogenic for Sotos syndrome. Last evaluated: 2017-09-01. Review status: criteria provided, single submitter. Criteria: ACMG Guidelines, 2015. Collection method: clinical testing. Allele origin: de novo. Inheritance: Autosomal dominant inheritance. Affected: yes.

Literature cited by the submitters: PubMed 25326635.

NM_022455.5(NSD1):c.4302+1G>A

Gene: NSD1 (nuclear receptor binding SET domain protein 1; plus strand). Cytogenetic location: 5q35.3.
Variant type: single nucleotide variant.
Coding change: c.4302+1G>A on transcript NM_022455.5 (MANE Select); the canonical splice donor site of the intron after coding-DNA position 4302, G replaced by A.
Molecular consequence: splice donor variant.
Genome position (GRCh38, 1-based): chr5:177,239,866, G>A. VCF-style: chr5-177239866-G-A. GRCh37 (hg19) VCF-style: chr5-176666867-G-A.
Other names: c.4302+1G>A (NM_001409301.1, NM_001409302.1, NM_001409303.1); c.3882+1G>A (NM_001409304.1); c.3549+1G>A (NM_001409305.1); c.3429+1G>A (NM_001409306.1, NM_001409308.1, NM_001409307.1 and 3 more transcripts).
Identifiers: ClinVar variation 561069 (VCV000561069.3), dbSNP rs1562246533, ClinGen allele CA362344326.
Genomic context (GRCh38, chr5:177,239,866, plus strand): 5'-TCCAATGATTTAGACCCTGGATTTATGCCCAAGAAGGGGGACCTTGGCCTTTCTAAAAAG[G>A]TATGTTATTTTTGTAAGTTCTAAAAGAAATAAACTCAGGAAATGAGAAATTTTAAAAATG-3'